The following is an entry in ClinVar:

ClinVar aggregate classification (germline): Likely pathogenic (0 of 4 stars; one submission).

Conditions:
RET-related disorder. Also called: RET-related disorders; RET-related condition; RET-related disease.

Submission:

PreventionGenetics, part of Exact Sciences
Classification: Likely pathogenic for RET-related condition. Last evaluated: 2024-05-02. Review status: no assertion criteria provided. Collection method: clinical testing. Allele origin: germline.
Comment: The RET c.2599G>T variant is predicted to result in premature protein termination (p.Glu867*). To our knowledge, this variant has not been reported in the literature or in a large population database, indicating this variant is rare. Nonsense variants in RET are expected to be pathogenic. This variant is interpreted as likely pathogenic.

NM_020975.6(RET):c.2599G>T (p.Glu867Ter)

Gene: RET (ret proto-oncogene; plus strand). Cytogenetic location: 10q11.21.
Variant type: single nucleotide variant.
Coding change: c.2599G>T on transcript NM_020975.6 (MANE Select); coding-DNA position 2599, G replaced by T.
Protein change: p.Glu867Ter; replaces glutamic acid 867 with a stop codon.
Molecular consequence: nonsense.
Genome position (GRCh38, 1-based): chr10:43,119,737, G>T. VCF-style: chr10-43119737-G-T. GRCh37 (hg19) VCF-style: chr10-43615185-G-T.
Other names: c.1837G>T, p.Glu613Ter (NM_001355216.2); c.2599G>T, p.Glu867Ter (NM_001406743.1, NM_001406744.1, NM_001406759.1 and 2 more transcripts); c.2470G>T, p.Glu824Ter (NM_001406761.1, NM_001406762.1, NM_001406764.1); c.2464G>T, p.Glu822Ter (NM_001406763.1, NM_001406765.1); c.2311G>T, p.Glu771Ter (NM_001406766.1, NM_001406767.1, NM_001406770.1); c.2335G>T, p.Glu779Ter (NM_001406768.1); c.2203G>T, p.Glu735Ter (NM_001406769.1, NM_001406772.1); c.2161G>T, p.Glu721Ter (NM_001406771.1, NM_001406773.1); and 10 more; short protein forms E384*, E432*, E472*, E523*, E525*, E528*, E537*, E568*.
Identifiers: ClinVar variation 3345856 (VCV003345856.1).